The following is an entry in ClinVar:

ClinVar aggregate classification (germline): Likely benign. Review status: criteria provided, multiple submitters, no conflicts (2 of 4 stars). 5 submissions from 5 submitters: Likely benign (3). 2 of the submissions do not count toward it. Last evaluated 2026-05-01.

Allele frequency attached by ClinVar (database versions not stated): 1000 Genomes Project 0.00020; 1000 Genomes Project 30x 0.00094; TOPMed 0.00282; gnomAD 0.00292 and 0.00315.
gnomAD v4.1: 1,373 of 398,376 alleles (0.34%); highest among the groups gnomAD compares: Non-Finnish European, 0.51%; 2 homozygotes.

Submissions (5):

CeGaT Center for Human Genetics Tuebingen
Classification: Likely benign. Last evaluated: 2026-05-01. Review status: criteria provided, single submitter. Criteria: CeGaT Center For Human Genetics Tuebingen Variant Classification Criteria Version 2. Collection method: clinical testing. Allele origin: germline. Affected: yes. Observed: 41 variant alleles.
Comment: CIC: BP4, BP7, BS1

Blueprint Genetics
Classification: Likely benign. Last evaluated: 2024-11-28. Review status: criteria provided, single submitter. Criteria: ACMG Guidelines, 2015. Collection method: clinical testing. Allele origin: germline.

Breakthrough Genomics
Classification: Likely benign. Review status: criteria provided, single submitter. Criteria: ACMG Guidelines, 2015. Collection method: not provided. Allele origin: germline. Inheritance: Autosomal dominant inheritance. Affected: yes.

Clinical Genetics DNA and cytogenetics Diagnostics Lab, Erasmus MC, Erasmus Medical Center
Classification: Likely benign. Review status: no assertion criteria provided. Collection method: clinical testing. Allele origin: germline. Affected: yes. Study: VKGL Data-share Consensus. Not counted in ClinVar's aggregate classification.

Genome Diagnostics Laboratory, University Medical Center Utrecht
Classification: Likely benign. Review status: no assertion criteria provided. Collection method: clinical testing. Allele origin: germline. Affected: yes. Study: VKGL Data-share Consensus. Not counted in ClinVar's aggregate classification.

NM_001386298.1(CIC):c.1638C>T (p.Pro546=)

Gene: CIC (capicua transcriptional repressor; plus strand). Cytogenetic location: 19q13.2.
Variant type: single nucleotide variant.
Coding change: c.1638C>T on transcript NM_001386298.1 (MANE Select); coding-DNA position 1638, C replaced by T.
Protein change: p.Pro546=; no amino-acid change (proline 546 retained).
Molecular consequence: synonymous variant.
Genome position (GRCh38, 1-based): chr19:42,273,421, C>T. VCF-style: chr19-42273421-C-T. GRCh37 (hg19) VCF-style: chr19-42777573-C-T.
Other names: c.1638C>T, p.Pro546= (NM_001304815.2, NM_001379480.1, NM_001379482.1).
Identifiers: ClinVar variation 1285097 (VCV001285097.30), dbSNP rs189529121, ClinGen allele CA9471570.